The following is an entry in ClinVar:

ClinVar aggregate classification (germline): Uncertain significance. Review status: criteria provided, multiple submitters, no conflicts (2 of 4 stars). 4 submissions from 4 submitters: Uncertain significance (3). 1 of the submissions does not count toward it. Last evaluated 2026-01-14.

Conditions:
Cardiovascular phenotype. Identifiers: MedGen CN230736.
Distal myopathy with posterior leg and anterior hand involvement. Also called: WILLIAMS DISTAL MYOPATHY. Identifiers: Orphanet 63273, MedGen C3279722, MONDO:0013550, OMIM 614065.
Myofibrillar myopathy 5. Also called: Filaminopathy (type); FILAMINOPATHY, AUTOSOMAL DOMINANT. Identifiers: Orphanet 171445, MedGen C1836050, MONDO:0012289, OMIM 609524.
Hypertrophic cardiomyopathy 26. Also called: Cardiomyopathy, familial hypertrophic, 26. Identifiers: Orphanet 75249, MedGen C4310749, MONDO:0014883, OMIM 617047.

Allele frequency attached by ClinVar (database versions not stated): gnomAD exomes below 0.00001; TOPMed 0.00001; ExAC 0.00002.
gnomAD v4.1: 1 of 1,613,922 alleles (0.000062%); highest among the groups gnomAD compares: East Asian, 0.0022%; no homozygotes.

Submissions (4):

Labcorp Genetics (formerly Invitae), Labcorp
Classification: Uncertain significance for Distal myopathy with posterior leg and anterior hand involvement; Myofibrillar myopathy 5; Hypertrophic cardiomyopathy 26. Last evaluated: 2026-01-14. Review status: criteria provided, single submitter. Criteria: Invitae Variant Classification Sherloc (09022015). Collection method: clinical testing. Allele origin: germline.
Comment: This sequence change replaces glycine, which is neutral and non-polar, with arginine, which is basic and polar, at codon 1232 of the FLNC protein (p.Gly1232Arg). This variant is not present in population databases (gnomAD no frequency). This missense change has been observed in individual(s) with FLNC-related conditions (PMID: 39180012). ClinVar contains an entry for this variant (Variation ID: 661754). Invitae Evidence Modeling of protein sequence and biophysical properties (such as structural, functional, and spatial information, amino acid conservation, physicochemical variation, residue mobility, and thermodynamic stability) has been performed for this missense variant. However, the output from this modeling did not meet the statistical confidence thresholds required to predict the impact of this variant on FLNC protein function. In summary, the available evidence is currently insufficient to determine the role of this variant in disease. Therefore, it has been classified as a Variant of Uncertain Significance.

Genomic Medicine Center of Excellence, King Faisal Specialist Hospital and Research Centre
Classification: Uncertain significance for Hypertrophic cardiomyopathy 26. Last evaluated: 2024-09-22. Review status: criteria provided, single submitter. Criteria: ACMG Guidelines, 2015. Collection method: clinical testing. Allele origin: germline.

Ambry Genetics
Classification: Uncertain significance for Cardiovascular phenotype. Last evaluated: 2023-10-02. Review status: criteria provided, single submitter. Criteria: Ambry Variant Classification Scheme 2023. Collection method: clinical testing. Allele origin: germline.
Comment: The p.G1232R variant (also known as c.3694G>A), located in coding exon 21 of the FLNC gene, results from a G to A substitution at nucleotide position 3694. The glycine at codon 1232 is replaced by arginine, an amino acid with dissimilar properties. This amino acid position is conserved. In addition, this alteration is predicted to be deleterious by in silico analysis. Since supporting evidence is limited at this time, the clinical significance of this alteration remains unclear.

Rajaie Cardiovascular, Medical and Research Center, Iran University of Medical Sciences
Classification: Likely pathogenic for Hypertrophic cardiomyopathy 26. Review status: no assertion criteria provided. Collection method: research. Allele origin: somatic. Inheritance: Autosomal dominant inheritance. Affected: yes. Observed: 1 heterozygote. Not counted in ClinVar's aggregate classification.
Comment: The FLNC gene encodes Filamin C protein which plays a central role in muscle cells, probably by functioning as a large actin-cross-linking protein. In the study of Francesca Brun et al., 2020 (PMID: 31924696), they identified FLNC variants in two families with phenotypes of ARVC according to the 2010 task Force Criteria. The inheritance of this gene is autosomal dominant.

Literature cited by the submitters: PubMed 39180012 (cited by Labcorp Genetics (formerly Invitae), Labcorp).

NM_001458.5(FLNC):c.3694G>A (p.Gly1232Arg)

Gene: FLNC (filamin C; plus strand). Cytogenetic location: 7q32.1.
Variant type: single nucleotide variant.
Coding change: c.3694G>A on transcript NM_001458.5 (MANE Select); coding-DNA position 3694, G replaced by A.
Protein change: p.Gly1232Arg; replaces glycine 1232 with arginine.
Molecular consequence: missense variant.
Genome position (GRCh38, 1-based): chr7:128,845,159, G>A. VCF-style: chr7-128845159-G-A. GRCh37 (hg19) VCF-style: chr7-128485213-G-A.
Other names: c.3694G>A, p.Gly1232Arg (NM_001127487.2); short protein forms G1232R.
Identifiers: ClinVar variation 661754 (VCV000661754.11), dbSNP rs754533053, ClinGen allele CA4475101.